The following is an entry in ClinVar:

ClinVar aggregate classification (germline): Uncertain significance (1 of 4 stars; one submission).

Conditions:
Catecholaminergic polymorphic ventricular tachycardia (CVPT). Also called: Catecholamine-induced polymorphic ventricular tachycardia. Identifiers: Orphanet 3286, MedGen C5574922, MONDO:0017990.

Allele frequency attached by ClinVar (database versions not stated): gnomAD exomes below 0.00001.
gnomAD v4.1: 2 of 1,602,242 alleles (0.00012%); highest among the groups gnomAD compares: Non-Finnish European, 0.00017%; no homozygotes.

Submission:

Labcorp Genetics (formerly Invitae), Labcorp
Classification: Uncertain significance for Catecholaminergic polymorphic ventricular tachycardia. Last evaluated: 2019-11-12. Review status: criteria provided, single submitter. Criteria: Invitae Variant Classification Sherloc (09022015). Collection method: clinical testing. Allele origin: germline.
Comment: This sequence change replaces alanine with glycine at codon 3193 of the RYR2 protein (p.Ala3193Gly). The alanine residue is highly conserved and there is a small physicochemical difference between alanine and glycine. This variant is not present in population databases (ExAC no frequency). This variant has not been reported in the literature in individuals with RYR2-related conditions. Algorithms developed to predict the effect of missense changes on protein structure and function are either unavailable or do not agree on the potential impact of this missense change (SIFT: "Deleterious"; PolyPhen-2: "Possibly Damaging"; Align-GVGD: "Class C0"). In summary, the available evidence is currently insufficient to determine the role of this variant in disease. Therefore, it has been classified as a Variant of Uncertain Significance.

NM_001035.3(RYR2):c.9578C>G (p.Ala3193Gly)

Gene: RYR2 (ryanodine receptor 2; plus strand). Cytogenetic location: 1q43.
Variant type: single nucleotide variant.
Coding change: c.9578C>G on transcript NM_001035.3 (MANE Select); coding-DNA position 9578, C replaced by G.
Protein change: p.Ala3193Gly; replaces alanine 3193 with glycine.
Molecular consequence: missense variant.
Genome position (GRCh38, 1-based): chr1:237,705,341, C>G. VCF-style: chr1-237705341-C-G. GRCh37 (hg19) VCF-style: chr1-237868641-C-G.
Other names: short protein forms A3193G.
Identifiers: ClinVar variation 971625 (VCV000971625.2), dbSNP rs1412111895, ClinGen allele CA345408020.